The following is an entry in ClinVar:

ClinVar aggregate classification (germline): Pathogenic (1 of 4 stars; one submission).

Conditions:
Hereditary cancer-predisposing syndrome. Also called: Neoplastic Syndromes, Hereditary; Tumor predisposition; Hereditary Cancer Syndrome; Hereditary neoplastic syndrome. Identifiers: Orphanet 140162, MedGen C0027672, MeSH D009386, MONDO:0015356.

Submission:

Ambry Genetics
Classification: Pathogenic for Hereditary cancer-predisposing syndrome. Last evaluated: 2022-02-07. Review status: criteria provided, single submitter. Criteria: Ambry Variant Classification Scheme 2023. Collection method: clinical testing. Allele origin: germline.
Comment: The c.656_666del11 pathogenic mutation, located in coding exon 4 of the CHEK2 gene, results from a deletion of 11 nucleotides at nucleotide positions 656 to 666, causing a translational frameshift with a predicted alternate stop codon (p.E219Vfs*22). This variant is considered to be rare based on population cohorts in the Genome Aggregation Database (gnomAD). This alteration is expected to result in loss of function by premature protein truncation or nonsense-mediated mRNA decay. As such, this alteration is interpreted as a disease-causing mutation.

NM_007194.4(CHEK2):c.656_666del (p.Glu219fs)

Gene: CHEK2 (checkpoint kinase 2; minus strand). Cytogenetic location: 22q12.1.
Variant type: Deletion.
Coding change: c.656_666del on transcript NM_007194.4 (MANE Select); coding-DNA positions 656 to 666, 11 bases deleted (AATACATCATG).
Protein change: p.Glu219fs; shifts the reading frame from glutamic acid 219.
Molecular consequence: frameshift variant. On other transcripts: initiator codon variant (2), intron variant (1).
Genome position (GRCh38, 1-based): chr22:28,719,412-28,719,422, CATGATGTATT deleted on the plus strand (AATACATCATG on the coding strand, the reverse complement: CHEK2 is on the minus strand); deleting any 11 consecutive bases within chr22:28,719,412-28,719,425 gives the same sequence; the c. name uses the placement nearest the transcript's 3' end. VCF-style (leftmost placement, unchanged base first): chr22-28719411-ACATGATGTATT-A. GRCh37 (hg19) VCF-style: chr22-29115399-ACATGATGTATT-A.
Other names: c.785_795del, p.Glu262fs (NM_001005735.3, NM_001438294.1); c.-8_3del, p.Met1fs (NM_001257387.3, NM_001437942.1); c.749_759del, p.Glu250fs (NM_001438293.1, NM_001438295.1); c.656_666del, p.Glu219fs (NM_145862.3); c.482+5464_482+5474del (NM_001349956.3); short protein forms M1fs, E219fs, E262fs, E250fs.
Identifiers: ClinVar variation 1754204 (VCV001754204.3), dbSNP rs2518008603, ClinGen allele CA2580099366.
Genomic context (GRCh38, chr22:28,719,411, plus strand): 5'-TATAGTGAAAAAATTAAGTGCATTTATATAAGAAAATAATTTACCTTCCAAGAGTTTTTG[ACATGATGTATT>A]CATCTCTTAATGCCTTAGGATAAACTGACTGATCATCTACAGTCAGATCAAAAAAGACAA-3'